The following is an entry in ClinVar:

ClinVar aggregate classification (germline): Pathogenic/Likely pathogenic. Review status: criteria provided, multiple submitters, no conflicts (2 of 4 stars). 2 submissions from 2 submitters: Pathogenic (1); Likely pathogenic (1). Last evaluated 2025-09-26.

Conditions:
Developmental and epileptic encephalopathy, 5 (DEE5). Identifiers: Orphanet 3451, MedGen C3150731, MONDO:0013277, OMIM 613477.

Submissions (2):

Women's Health and Genetics/Laboratory Corporation of America, LabCorp
Classification: Pathogenic for Developmental and epileptic encephalopathy, 5. Last evaluated: 2025-09-26. Review status: criteria provided, single submitter. Criteria: LabCorp Variant Classification Summary - May 2015. Collection method: clinical testing. Allele origin: germline.
Comment: Variant summary: SPTAN1 c.3014G>A (p.Trp1005X) results in a premature termination codon, predicted to cause a truncation of the encoded protein or absence of the protein due to nonsense mediated decay, which are commonly known mechanisms for disease. The variant was absent in 251492 control chromosomes. To our knowledge, no occurrence of c.3014G>A in individuals affected with SPTAN1-related conditions and no experimental evidence demonstrating its impact on protein function have been reported. ClinVar contains an entry for this variant (Variation ID: 3066357). Based on the evidence outlined above, the variant was classified as pathogenic.

MVZ Medizinische Genetik Mainz
Classification: Likely pathogenic for Developmental and epileptic encephalopathy, 5. Last evaluated: 2022-09-16. Review status: criteria provided, single submitter. Criteria: UK Practice Guidelines For Variant Classification V4 01 2020. Collection method: clinical testing. Allele origin: germline. Inheritance: Autosomal dominant inheritance. Affected: yes. Observed: 1 variant allele.
Comment: ACMG Criteria: PVS1,PM2_SUP

NM_001130438.3(SPTAN1):c.3014G>A (p.Trp1005Ter)

Gene: SPTAN1 (spectrin alpha, non-erythrocytic 1; plus strand). Cytogenetic location: 9q34.11.
Variant type: single nucleotide variant.
Coding change: c.3014G>A on transcript NM_001130438.3 (MANE Select); coding-DNA position 3014, G replaced by A.
Protein change: p.Trp1005Ter; replaces tryptophan 1005 with a stop codon.
Molecular consequence: nonsense.
Genome position (GRCh38, 1-based): chr9:128,591,484, G>A. VCF-style: chr9-128591484-G-A. GRCh37 (hg19) VCF-style: chr9-131353763-G-A.
Other names: c.3014G>A, p.Trp1005Ter (NM_001195532.2, NM_001363759.2, NM_001363765.2 and 5 more transcripts); c.3050G>A, p.Trp1017Ter (NM_001375312.2, NM_001375318.1); short protein forms W1005*, W1017*.
Identifiers: ClinVar variation 3066357 (VCV003066357.2), dbSNP rs2131317641, ClinGen allele CA375060063.